The following is an entry in ClinVar:

ClinVar aggregate classification (germline): Likely pathogenic (1 of 4 stars; one submission).

Conditions:
Alport syndrome 3b, autosomal recessive. Identifiers: MedGen C5882699, MONDO:0957811, OMIM 620536.

gnomAD v4.1: 1 of 1,614,124 alleles (0.000062%); no homozygotes.

Submission:

3billion
Classification: Likely pathogenic for Alport syndrome 3b, autosomal recessive. Last evaluated: 2025-07-18. Review status: criteria provided, single submitter. Criteria: ACMG Guidelines, 2015. Collection method: clinical testing. Allele origin: germline. Affected: yes.
Comment: The variant is observed at an extremely low frequency in the gnomAD v4.1.0 dataset (total allele frequency: <0.001%). Predicted Consequence/Location: The variant is located in a mutational hot spot and/or well-established functional domain in which established pathogenic variants have been reported (PMID: 30311386, 27627812). In silico tool predictions suggest damaging effect of the variant on gene or gene product [REVEL: 0.91 (>=0.6, sensitivity 0.68 and specificity 0.92); 3Cnet: 0.76 (> 0.75, sensitivity 0.96 and precision 0.92)]. A different missense change at the same codon (p.Gly759Arg) has been reported as pathogenic/likely pathogenic with strong evidence (ClinVar ID: VCV000974464, VCV002439370 /PMID: 28600779, 29801666). Therefore, this variant is classified as Likely pathogenic according to the recommendation of ACMG/AMP guideline.

Literature cited by the submitters: PubMed 28600779.

NM_000091.5(COL4A3):c.2276G>A (p.Gly759Glu)

Genes: COL4A3 (collagen type IV alpha 3 chain; plus strand), MFF-DT (MFF divergent transcript; minus strand). Cytogenetic location: 2q36.3.
Variant type: single nucleotide variant.
Coding change: c.2276G>A on transcript NM_000091.5 (MANE Select); coding-DNA position 2276, G replaced by A.
Protein change: p.Gly759Glu; replaces glycine 759 with glutamic acid.
Molecular consequence: missense variant.
Genome position (GRCh38, 1-based): chr2:227,280,492, G>A. VCF-style: chr2-227280492-G-A. GRCh37 (hg19) VCF-style: chr2-228145208-G-A.
Other names: short protein forms G759E.
Identifiers: ClinVar variation 4855330 (VCV004855330.1).